The following is an entry in ClinVar:

NM_000070.3(CAPN3):c.608C>T (p.Ala203Val)

Gene: CAPN3 (calpain 3; plus strand). Cytogenetic location: 15q15.1.
Variant type: single nucleotide variant.
Coding change: c.608C>T on transcript NM_000070.3 (MANE Select); coding-DNA position 608, C replaced by T.
Protein change: p.Ala203Val; replaces alanine 203 with valine.
Molecular consequence: missense variant.
Genome position (GRCh38, 1-based): chr15:42,387,862, C>T. VCF-style: chr15-42387862-C-T. GRCh37 (hg19) VCF-style: chr15-42680060-C-T.
Other names: c.608C>T, p.Ala203Val (NM_024344.2, NM_173087.2); short protein forms A203V.
Identifiers: ClinVar variation 289751 (VCV000289751.19), dbSNP rs763719290, ClinGen allele CA7511069.

ClinVar aggregate classification (germline): Conflicting classifications of pathogenicity. Review status: criteria provided, conflicting classifications (1 of 4 stars). 5 submissions from 5 submitters: Likely pathogenic (2); Uncertain significance (3). Last evaluated 2026-06-04.

Conditions:
Inborn genetic diseases. Identifiers: MedGen C0950123, MeSH D030342.
Autosomal recessive limb-girdle muscular dystrophy type 2A (LGMDR1). Also called: Muscular dystrophy, limb-girdle, type 2A, Amish; Limb-girdle muscular dystrophy, type 2A; Calpainopathy; LEYDEN-MOEBIUS MUSCULAR DYSTROPHY; MUSCULAR DYSTROPHY, PELVOFEMORAL. Identifiers: Orphanet 267, MedGen C1869123, MONDO:0009675, OMIM 253600. Disease mechanism: loss of function.

Allele frequency attached by ClinVar (database versions not stated): gnomAD exomes below 0.00001 and 0.00001; ExAC 0.00001.
gnomAD v4.1: 7 of 1,614,106 alleles (0.00043%); highest among the groups gnomAD compares: South Asian, 0.0044%; no homozygotes.

Submissions (5):

Ambry Genetics
Classification: Likely pathogenic for Inborn genetic diseases. Last evaluated: 2026-06-04. Review status: criteria provided, single submitter. Criteria: Ambry Variant Classification Scheme 2023. Collection method: clinical testing. Allele origin: germline.
Comment: The c.[608C>T; 749A>G] (p.[A203V; K250R]) complex allele affects exon 4 and exon 5 of the CAPN3 gene. This alteration results from a C to T substitution at nucleotide position 608, causing the alanine (A) at amino acid position 203 to be replaced by a valine (V), and from an A to G substitution at nucleotide position 749, causing the lysine (K) at amino acid position 250 to be replaced by an arginine (R). for autosomal recessive CAPN3-related limb-girdle muscular dystrophy; however, its clinical significance for autosomal dominant CAPN3-related limb-girdle muscular dystrophy is uncertain. Based on data from the Genome Aggregation Database (gnomAD), the c.608C>T alteration was observed in 0.0008% (2/251,458) of total alleles studied, with a frequency of 0.0065% (2/30,616) in the South Asian subpopulation. The c.749A>G alteration was observed in 0.0012% (3/251,418) of total alleles studied, with a frequency of 0.0098% (3/30,616) in the South Asian subpopulation. The CAPN3 c.[608C>T; 749A>G] complex allele has been identified in the homozygous state and/or in conjunction with other CAPN3 variant(s) in individual(s) with features consistent with autosomal recessive CAPN3-related limb-girdle muscular dystrophy (Ganaraja, 2022; external communication). The p.A203 amino acid position is highly conserved in available vertebrate species and the p.K250 amino acid position is well conserved in available vertebrate species. The p.A203V alteration is predicted to be deleterious by in silico analysis; however, the in silico prediction for the p.K250R alteration is inconclusive. Based on the available evidence, this alteration is classified as likely pathogenic.

Women's Health and Genetics/Laboratory Corporation of America, LabCorp
Classification: Uncertain significance. Last evaluated: 2025-01-27. Review status: criteria provided, single submitter. Criteria: LabCorp Variant Classification Summary - May 2015. Collection method: clinical testing. Allele origin: germline.
Comment: Variant summary: CAPN3 c.608C>T (p.Ala203Val) results in a non-conservative amino acid change located in the Calpain domian (Ganaraja_2021) of the encoded protein sequence. Five of five in-silico tools predict a damaging effect of the variant on protein function. The variant allele was found at a frequency of 8e-06 in 251458 control chromosomes (gnomAD). c.608C>T has been reported in the literature in individuals affected with Limb-Girdle Muscular Dystrophy, Autosomal Recessive (Ganaraja_2021, Karthikeyan_2024). These data indicate that the variant may be associated with disease. To our knowledge, no experimental evidence demonstrating an impact on protein function has been reported. The following publications have been ascertained in the context of this evaluation (PMID: 35169782, 39548682). ClinVar contains an entry for this variant (Variation ID: 289751). Based on the evidence outlined above, the variant was classified as VUS-possibly pathogenic.

Labcorp Genetics (formerly Invitae), Labcorp
Classification: Uncertain significance for Autosomal recessive limb-girdle muscular dystrophy type 2A. Last evaluated: 2024-12-13. Review status: criteria provided, single submitter. Criteria: Invitae Variant Classification Sherloc (09022015). Collection method: clinical testing. Allele origin: germline.
Comment: This sequence change replaces alanine, which is neutral and non-polar, with valine, which is neutral and non-polar, at codon 203 of the CAPN3 protein (p.Ala203Val). This variant is present in population databases (rs763719290, gnomAD 0.006%). This variant has not been reported in the literature in individuals affected with CAPN3-related conditions. ClinVar contains an entry for this variant (Variation ID: 289751). Invitae Evidence Modeling of protein sequence and biophysical properties (such as structural, functional, and spatial information, amino acid conservation, physicochemical variation, residue mobility, and thermodynamic stability) indicates that this missense variant is expected to disrupt CAPN3 protein function with a positive predictive value of 80%. This variant disrupts the p.Ala203 amino acid residue in CAPN3. Other variant(s) that disrupt this residue have been determined to be pathogenic (internal data). This suggests that this residue is clinically significant, and that variants that disrupt this residue are likely to be disease-causing. In summary, the available evidence is currently insufficient to determine the role of this variant in disease. Therefore, it has been classified as a Variant of Uncertain Significance.

3billion
Classification: Likely pathogenic for Autosomal recessive limb-girdle muscular dystrophy type 2A. Last evaluated: 2024-07-30. Review status: criteria provided, single submitter. Criteria: ACMG Guidelines, 2015. Collection method: clinical testing. Allele origin: germline. Affected: yes.
Comment: The variant is observed at an extremely low frequency in the gnomAD v4.0.0 dataset (total allele frequency: <0.001%). In silico tool predictions suggest damaging effect of the variant on gene or gene product [REVEL: 0.93 (>=0.6, sensitivity 0.68 and specificity 0.92); 3Cnet: 0.92 (>=0.6, sensitivity 0.72 and precision 0.9)]. The same nucleotide change resulting in the same amino acid change has been previously reported to be associated with CAPN3-related disorder (PMID: 35169782 / 3billion dataset). The variant has been reported to be in trans with a pathogenic variant as either compound heterozygous or homozygous in at least one similarly affected unrelated individual (PMID: 35169782 / 3billion dataset). A different missense change at the same codon (p.Ala203Gly) has been reported to be associated with CAPN3-related disorder (ClinVar ID: VCV000843051). Therefore, this variant is classified as likely pathogenic according to the recommendation of ACMG/AMP guideline.

Eurofins Ntd Llc (ga)
Classification: Uncertain significance. Last evaluated: 2016-07-27. Review status: criteria provided, single submitter. Criteria: EGL Classification Definitions 2015. Collection method: clinical testing. Allele origin: germline. Observed: 1 variant allele, 1 homozygote.

Literature cited by the submitters: PubMed 35169782 (cited by Ambry Genetics and Women's Health and Genetics/Laboratory Corporation of America, LabCorp); PubMed 39548682 (cited by Women's Health and Genetics/Laboratory Corporation of America, LabCorp).